The following continues an entry in ClinVar:

NM_018972.4(GDAP1):c.358C>T (p.Arg120Trp)

Gene: GDAP1. ClinVar aggregate classification (germline): Pathogenic. Pathogenic (21).

Submissions 8 to 21 of 27:

Women's Health and Genetics/Laboratory Corporation of America, LabCorp
Classification: Pathogenic for Charcot-Marie-Tooth disease type 4A. Last evaluated: 2023-08-10. Review status: criteria provided, single submitter. Criteria: LabCorp Variant Classification Summary - May 2015. Collection method: clinical testing. Allele origin: germline.
Comment: Variant summary: GDAP1 c.358C>T (p.Arg120Trp) results in a non-conservative amino acid change in the encoded protein sequence. Three of three in-silico tools predict a damaging effect of the variant on protein function. The variant was absent in 251462 control chromosomes. c.358C>T has been reported in the literature as segregating with a milder phenotype in multiple individuals affected with features of autosomal dominant Charcot-Marie Disease Type 4A (example, Claramunt_2005, Pezzini_2016). These data indicate that the variant is very likely to be associated with disease. Publications reporting an impact on protein function have been reported (example, Estela_2011). The following publications have been ascertained in the context of this evaluation (PMID: 33136338, 15805163, 21890626, 26525999). Ten submitters have cited clinical-significance assessments for this variant to ClinVar after 2014. All submitters classified the variant as pathogenic. Based on the evidence outlined above, the variant was classified as pathogenic.

Revvity Omics, Revvity
Classification: Pathogenic. Last evaluated: 2023-04-06. Review status: criteria provided, single submitter. Criteria: ACMG Guidelines, 2015. Collection method: clinical testing. Allele origin: germline.

ARUP Laboratories, Molecular Genetics and Genomics, ARUP Laboratories
Classification: Pathogenic. Last evaluated: 2023-02-17. Review status: criteria provided, single submitter. Criteria: ARUP Molecular Germline Variant Investigation Process 2024. Collection method: clinical testing. Allele origin: germline.
Comment: The GDAP1 c.358C>T; p.Arg120Trp variant (rs104894078), is reported in the literature in multiple individuals affected with Charcot-Marie-Tooth (CMT) disease and has been observed to cosegregate with autosomal dominant disease in several large kindreds (Claramunt 2005, Sivera 2010, Zimon 2011). This variant is found on a single chromosome in the Genome Aggregation Database (1/31398 alleles), indicating it is not a common polymorphism. The arginine at codon 120 is highly conserved, and computational analyses predict that this variant is deleterious (REVEL: 0.879). Consistent with these predictions, functional assays demonstrate the variant protein fails to promote mitochondrial fusion like wildtype GDAP1 (Niemann 2009, Zimon 2011). Additionally, another amino acid substitution at the same codon (p.Arg120Gly) has been reported to segregate with autosomal dominant CMT in a large family and is considered disease-causing (Manganelli 2012), suggesting this codon is functionally important. Based on available information, the p.Arg120Trp variant is considered to be pathogenic. References: Claramunt R et al. Genetics of Charcot-Marie-Tooth disease type 4A: mutations, inheritance, phenotypic variability, and founder effect. J Med Genet. 2005 Apr;42(4):358-65. Manganelli F et al. A novel autosomal dominant GDAP1 mutation in an Italian CMT2 family. J Peripher Nerv Syst. 2012 Sep;17(3):351-5. Niemann A et al. GDAP1 mutations differ in their effects on mitochondrial dynamics and apoptosis depending on the mode of inheritance. Neurobiol Dis. 2009 Dec;36(3):509-20. Sivera R et al. Phenotypical features of the p.R120W mutation in the GDAP1 gene causing autosomal dominant Charcot-Marie-Tooth disease. J Peripher Nerv Syst. 2010 Dec;15(4):334-44. Zimon M et al. Dominant GDAP1 mutations cause predominantly mild CMT phenotypes. Neurology. 2011 Aug 9;77(6):540-8.

GeneDx
Classification: Pathogenic. Last evaluated: 2022-09-15. Review status: criteria provided, single submitter. Criteria: GeneDx Variant Classification Process June 2021. Collection method: clinical testing. Allele origin: germline. Affected: yes.
Comment: Published functional analysis showed that R120W impairs mitochondrial function (Zimon et al., 2011; Niemann et al., 2009); Not observed at significant frequency in large population cohorts (gnomAD); In silico analysis, which includes protein predictors and evolutionary conservation, supports a deleterious effect; This variant is associated with the following publications: (PMID: 15772096, 22546700, 23628762, 26525999, 20301641, 25168384, 28379183, 14561495, 28673555, 30373780, 33136338, 31589614, 29417091, 35153971, 31655048, 30669311, 35656516, 33187793, 19782751, 31827005, 32153140, 15805163, 21753178, 34323022, 33480199)

MGZ Medical Genetics Center
Classification: Pathogenic for Charcot-Marie-Tooth disease axonal type 2K. Last evaluated: 2022-05-16. Review status: criteria provided, single submitter. Criteria: ACMG Guidelines, 2015. Collection method: clinical testing. Allele origin: germline. Affected: yes. Observed: 1 variant allele.
Comment: ACMG criteria applied: PP1_STR, PS3_MOD, PS4_MOD, PM5, PM2_SUP, PM3_SUP, PP3

Genetics and Molecular Pathology, SA Pathology
Classification: Pathogenic for Charcot-Marie-Tooth disease axonal type 2K. Last evaluated: 2022-03-09. Review status: criteria provided, single submitter. Criteria: ACMG Guidelines, 2015. Collection method: clinical testing. Allele origin: germline. Affected: yes.
Comment: The GDAP1 c.358C>T variant is classified as a PATHOGENIC variant (PS3, PS4, PP3) This variant is a single nucleotide change in exon 3/6 of the GDAP1 gene, which is predicted to change the amino acid arginine at position 120 in the protein to tryptophan. The variant has been reported multiple times in individuals with CMT disease and has been observed to segregate with autosomal dominant CMT disease in several families (PMID: 21753178, 15805163, 21199105). The variant is in dbSNP (rs104894078) but is rare in population databases (gnomAD 1/152152, 0 homozygote (PS4). Functional studies have shown that this variant impairs the mitochondrial fusion process and results in dysfunctional mitochondrial (PMID: 21753178, 19782751) (PS3). The variant has been reported in both ClinVar (Variation ID: 4198) and HGMD (Accession: CM032927) as pathogenic. Computational predictions support a deleterious effect on the gene or gene product (PP3).

Institute of Medical Genetics and Applied Genomics, University Hospital Tübingen
Classification: Pathogenic. Last evaluated: 2021-06-17. Review status: criteria provided, single submitter. Criteria: ACMG Guidelines, 2015. Collection method: clinical testing. Allele origin: germline. Inheritance: Autosomal dominant inheritance. Affected: yes.

Foundation for Research in Genetics and Endocrinology, FRIGE's Institute of Human Genetics
Classification: Pathogenic for Charcot-Marie-Tooth disease axonal type 2K; Charcot-Marie-Tooth disease type 4A; Charcot-Marie-Tooth disease recessive intermediate A. Last evaluated: 2020-04-20. Review status: criteria provided, single submitter. Criteria: ACMG Guidelines, 2015. Collection method: clinical testing. Allele origin: germline. Inheritance: Autosomal dominant inheritance. Affected: yes. Observed: 1 heterozygote.
Comment: A heterozygous missense variation in exon 3 of the GDAP1 gene that results in the amino acid substitution of Tryptophan for Arginine at codon 120 was detected. The observed variant c.358C>T(p.Arg120Trp) has previously been reported in heterozygous state in patients affected with Charcot-Marie-Tooth type 4A disease. Experimental studies have shown that this missense change impairs the mitochondrial fusion process and results in dysfunctional mitochondria (Pedrola et al. 2008). The variant has not been reported in the 1000 genomes and ExAC databases. The in silico prediction of the variant are probably damaging by PolyPhen-2 (HumDiv) and damaging by SIFT, LRT and MutationTaster2. The reference codon is conserved across species. In summary, the variant meets our criteria to be classified as pathogenic.

Centre for Mendelian Genomics, University Medical Centre Ljubljana
Classification: Pathogenic for Charcot-Marie-Tooth disease type 4A. Last evaluated: 2020-03-23. Review status: criteria provided, single submitter. Criteria: ACMG Guidelines, 2015. Collection method: clinical testing. Allele origin: unknown. Affected: yes.
Comment: This variant was classified as: Pathogenic. The following ACMG criteria were applied in classifying this variant: PS3,PS4,PM1,PM2,PP3.

Ambry Genetics
Classification: Pathogenic for Inborn genetic diseases. Last evaluated: 2019-09-26. Review status: criteria provided, single submitter. Criteria: Ambry Variant Classification Scheme 2023. Collection method: clinical testing. Allele origin: germline.
Comment: The p.R120W pathogenic mutation (also known as c.358C>T), located in coding exon 3 of the GDAP1 gene, results from a C to T substitution at nucleotide position 358. The arginine at codon 120 is replaced by tryptophan, an amino acid with dissimilar properties. The p.R120W alteration has been reported to segregate with disease in multiple unrelated families with features of dominantly inherited Charcot-Marie-Tooth disease (CMT; Sivera R et al. J. Peripher. Nerv. Syst., 2010 Dec;15:334-44; Zimo M et al. Neurology, 2011 Aug;77:540-8; Vital A et al. Neuromuscul. Disord., 2012 Aug;22:735-41). Reported patients have a variable phenotype with mild-moderate axonal CMT with typical onset around adolescence, and incomplete penetrance has been reported (Sivera R et al. J. Peripher. Nerv. Syst., 2010 Dec;15:334-44; Vital A et al. Neuromuscul. Disord., 2012 Aug;22:735-41). The mechanism for disease of dominantly inherited forms of GDAP1-related CMT is an interference with mitochondrial fusion, and functional studies showed significant mitochondrial fragmentation and significantly impaired mitochondrial fusion in cells transfected with the p.R120W alteration compared to wildtype (Niemann A et al. Neurobiol. Dis., 2009 Dec;36:509-20; Zimo M et al. Neurology, 2011 Aug;77:540-8). Based on the supporting evidence, this alteration is interpreted as a disease-causing mutation.

Blueprint Genetics
Classification: Pathogenic for GDAP1-related disorders. Last evaluated: 2019-08-21. Review status: criteria provided, single submitter. Criteria: ACMG Guidelines, 2015. Collection method: clinical testing. Allele origin: germline. Affected: yes. Observed: 1 variant allele.

Neurology Department, Peking University First Hospital
Classification: Pathogenic for Charcot-Marie-Tooth disease axonal type 2K. Last evaluated: 2016-10-05. Review status: criteria provided, single submitter. Criteria: assertion criteria. Collection method: clinical testing. Allele origin: paternal. Inheritance: Autosomal dominant inheritance with paternal imprinting. Affected: yes. Observed: 1 variant allele, 1 heterozygote.

Clinical Genetics Service, Universitary Hospital 12 de Octubre
Classification: Pathogenic for Charcot-Marie-Tooth disease axonal type 2K. Review status: criteria provided, single submitter. Criteria: ACMG Guidelines, 2015. Collection method: clinical testing. Allele origin: germline. Affected: yes.

Molecular Genetics Laboratory, London Health Sciences Centre
Classification: Pathogenic for Charcot-Marie-Tooth disease. Review status: criteria provided, single submitter. Criteria: ACMG Guidelines, 2015. Collection method: clinical testing. Allele origin: germline. Affected: yes.